The following is an entry in ClinVar:

ClinVar aggregate classification (germline): Conflicting classifications of pathogenicity. Review status: criteria provided, conflicting classifications (1 of 4 stars). 3 submissions from 3 submitters: Likely pathogenic (2); Uncertain significance (1). Last evaluated 2026-08-27.

Conditions:
Nonsyndromic genetic hearing loss. Also called: Nonsyndromic hearing loss and deafness; Non-syndromic genetic deafness; Nonsyndromic genetic deafness. Identifiers: Orphanet 87884, MedGen C5680182, MONDO:0019497.

Allele frequency attached by ClinVar (database versions not stated): gnomAD exomes below 0.00001.
gnomAD v4.1: 1 of 1,613,554 alleles (0.000062%); highest among the groups gnomAD compares: Admixed American, 0.0017%; no homozygotes.

Submissions (3):

Myriad Genetics, Inc.
Classification: Likely pathogenic for Nonsyndromic genetic hearing loss. Last evaluated: 2026-08-27. Review status: criteria provided, single submitter. Criteria: Myriad Autosomal Dominant, Autosomal Recessive and X-Linked Classification Criteria (2023). Collection method: clinical testing. Allele origin: unknown.
Comment: NM_004004.5(GJB2):c.191G>A(C64Y) is a missense variant classified as likely pathogenic in the context of GJB2-related DFNB1 nonsyndromic hearing loss and deafness. C64Y has been observed in a case with relevant disease (PMID: 17666888). Relevant functional assessments of this variant are not available in the literature. Internal structural analysis of the variant is supportive of pathogenicity. C64Y has not been observed in referenced population frequency databases. In summary, NM_004004.5(GJB2):c.191G>A(C64Y) is a missense variant that has internal structural support for pathogenicity and has been observed more frequently in cases with the relevant disease than in healthy populations. Please note: this variant was assessed in the context of healthy population screening.

GeneDx
Classification: Likely pathogenic. Last evaluated: 2026-04-22. Review status: criteria provided, single submitter. Criteria: GeneDx Variant Classification Process June 2021. Collection method: clinical testing. Allele origin: germline.
Comment: Observed with a second variant in a patient with hearing loss in published literature, but it is not known whether the variants occurred on the same (in cis) or on different (in trans) chromosomes (PMID: 17666888); Not observed at significant frequency in large population cohorts (gnomAD); In silico analysis supports that this missense variant has a deleterious effect on protein structure/function; This variant is associated with the following publications: (PMID: 25388846, 36048236, 17666888)

Women's Health and Genetics/Laboratory Corporation of America, LabCorp
Classification: Uncertain significance. Last evaluated: 2023-08-28. Review status: criteria provided, single submitter. Criteria: LabCorp Variant Classification Summary - May 2015. Collection method: clinical testing. Allele origin: germline.
Comment: Variant summary: GJB2 c.191G>A (p.Cys64Tyr) results in a non-conservative amino acid change located in the Connexin, N-terminal (IPR013092) of the encoded protein sequence. Five of five in-silico tools predict a damaging effect of the variant on protein function. The variant was absent in 251312 control chromosomes. The available data on variant occurrences in the general population are insufficient to allow any conclusion about variant significance. c.191G>A has been reported in the literature in individuals affected with Non-Syndromic Hearing Loss (Putcha_2007). These data do not allow any conclusion about variant significance. To our knowledge, no experimental evidence demonstrating an impact on protein function has been reported. The following publication has been ascertained in the context of this evaluation (PMID: 17666888). No submitters have cited clinical-significance assessments for this variant to ClinVar after 2014. Based on the evidence outlined above, the variant was classified as uncertain significance.

Literature cited by the submitters: PubMed 17666888 (cited by Myriad Genetics, Inc. and Women's Health and Genetics/Laboratory Corporation of America, LabCorp).

NM_004004.6(GJB2):c.191G>A (p.Cys64Tyr)

Gene: GJB2 (gap junction protein beta 2; minus strand). Cytogenetic location: 13q12.11.
Variant type: single nucleotide variant.
Coding change: c.191G>A on transcript NM_004004.6 (MANE Select); coding-DNA position 191, G replaced by A.
Protein change: p.Cys64Tyr; replaces cysteine 64 with tyrosine.
Molecular consequence: missense variant.
Genome position (GRCh38, 1-based): chr13:20,189,391, C>T on the plus strand (G>A on the coding strand, the complement: GJB2 is on the minus strand). VCF-style: chr13-20189391-C-T. GRCh37 (hg19) VCF-style: chr13-20763530-C-T.
Other names: short protein forms C64Y.
Identifiers: ClinVar variation 2581406 (VCV002581406.3), dbSNP rs2500252361, ClinGen allele CA387461656.
Genomic context (GRCh38, chr13:20,189,391, plus strand): 5'-ACGAAGATCAGCTGCAGGGCCCATAGCCGGATGTGGGAGATGGGGAAGTAGTGATCGTAG[C>T]ACACGTTCTTGCAGCCTGGCTGCAGGGTGTTGCAGACAAAGTCGGCCTGCTCATCTCCCC-3'
Protein context (NP_003995.2, residues 54-74): NTLQPGCKNV[Cys64Tyr]YDHYFPISHI